The following is an entry in ClinVar:

ClinVar aggregate classification (germline): Conflicting classifications of pathogenicity. Review status: criteria provided, conflicting classifications (1 of 4 stars). 9 submissions from 9 submitters: Uncertain significance (4); Likely benign (4). 1 of the submissions does not count toward it. Last evaluated 2026-01-11.

Conditions:
Cardiovascular phenotype. Identifiers: MedGen CN230736.
ABCG5-related disorder. Also called: ABCG5-related condition.
Sitosterolemia (STSL). Also called: PHYTOSTEROLEMIA. Identifiers: Orphanet 2882, MedGen C0342907, MONDO:0008863.
Sitosterolemia 2. Identifiers: MedGen C5231453, MONDO:0020748, OMIM 618666.

Allele frequency attached by ClinVar (database versions not stated): gnomAD exomes 0.00011 and 0.00027; ExAC 0.00071; ESP Exome Variant Server 0.00085; gnomAD 0.00103 and 0.00106; TOPMed 0.00115; 1000 Genomes Project 0.00120; 1000 Genomes Project 30x 0.00156.
gnomAD v4.1: 309 of 1,572,430 alleles (0.02%); highest among the groups gnomAD compares: African/African-American, 0.34%; no homozygotes.

Submissions (9):

Labcorp Genetics (formerly Invitae), Labcorp
Classification: Likely benign for Sitosterolemia. Last evaluated: 2026-01-11. Review status: criteria provided, single submitter. Criteria: Invitae Variant Classification Sherloc (09022015). Collection method: clinical testing. Allele origin: germline.

Mayo Clinic Laboratories, Mayo Clinic
Classification: Likely benign. Last evaluated: 2025-09-13. Review status: criteria provided, single submitter. Criteria: ACMG Guidelines, 2015. Collection method: clinical testing. Allele origin: germline. Observed: 3 variant alleles.
Comment: BS1, BP4

Blueprint Genetics
Classification: Likely benign. Last evaluated: 2024-10-02. Review status: criteria provided, single submitter. Criteria: ACMG Guidelines, 2015. Collection method: clinical testing. Allele origin: germline.

Women's Health and Genetics/Laboratory Corporation of America, LabCorp
Classification: Uncertain significance. Last evaluated: 2023-08-01. Review status: criteria provided, single submitter. Criteria: LabCorp Variant Classification Summary - May 2015. Collection method: clinical testing. Allele origin: germline.

New York Genome Center
Classification: Uncertain significance for Sitosterolemia 2. Last evaluated: 2021-11-17. Review status: criteria provided, single submitter. Criteria: NYGC Assertion Criteria 2020. Collection method: clinical testing. Allele origin: germline. Observed: 1 heterozygote.

Fulgent Genetics
Classification: Uncertain significance for Sitosterolemia 2. Last evaluated: 2021-10-14. Review status: criteria provided, single submitter. Criteria: ACMG Guidelines, 2015. Collection method: clinical testing. Allele origin: unknown.

Ambry Genetics
Classification: Likely benign for Cardiovascular phenotype. Last evaluated: 2021-07-14. Review status: criteria provided, single submitter. Criteria: Ambry Variant Classification Scheme 2023. Collection method: clinical testing. Allele origin: germline.

Eurofins Ntd Llc (ga)
Classification: Uncertain significance. Last evaluated: 2018-06-15. Review status: criteria provided, single submitter. Criteria: EGL ClinVar v180209 classification definitions. Collection method: clinical testing. Allele origin: germline. Observed: 4 variant alleles, 4 heterozygotes.

PreventionGenetics, part of Exact Sciences
Classification: Likely benign for ABCG5-related condition. Last evaluated: 2022-06-10. Review status: no assertion criteria provided. Collection method: clinical testing. Allele origin: germline. Not counted in ClinVar's aggregate classification.
Comment: This variant is classified as likely benign based on ACMG/AMP sequence variant interpretation guidelines (Richards et al. 2015 PMID: 25741868, with internal and published modifications).

NM_022436.3(ABCG5):c.325T>C (p.Phe109Leu)

Gene: ABCG5 (ATP binding cassette subfamily G member 5; minus strand). Cytogenetic location: 2p21.
Variant type: single nucleotide variant.
Coding change: c.325T>C on transcript NM_022436.3 (MANE Select); coding-DNA position 325, T replaced by C.
Protein change: p.Phe109Leu; replaces phenylalanine 109 with leucine.
Molecular consequence: missense variant.
Genome position (GRCh38, 1-based): chr2:43,832,024, A>G on the plus strand (T>C on the coding strand, the complement: ABCG5 is on the minus strand). VCF-style: chr2-43832024-A-G. GRCh37 (hg19) VCF-style: chr2-44059163-A-G.
Other names: p.Phe109Leu; short protein forms F109L.
Identifiers: ClinVar variation 593676 (VCV000593676.19), dbSNP rs201889290, ClinGen allele CA1636712.